The following is an entry in ClinVar:

NM_001972.4(ELANE):c.654C>A (p.Phe218Leu)

Gene: ELANE (elastase, neutrophil expressed; plus strand). Cytogenetic location: 19p13.3.
Variant type: single nucleotide variant.
Coding change: c.654C>A on transcript NM_001972.4 (MANE Select); coding-DNA position 654, C replaced by A.
Protein change: p.Phe218Leu; replaces phenylalanine 218 with leucine.
Molecular consequence: missense variant.
Genome position (GRCh38, 1-based): chr19:856,014, C>A. VCF-style: chr19-856014-C-A. GRCh37 (hg19) VCF-style: chr19-856014-C-A.
Other names: short protein forms F218L.
Identifiers: ClinVar variation 4793981 (VCV004793981.1).
Genomic context (GRCh38, chr19:856,014, plus strand): 5'-ACAGGGGGACTCCGGCAGCCCCTTGGTCTGCAACGGGCTAATCCACGGAATTGCCTCCTT[C>A]GTCCGGGGAGGCTGCGCCTCAGGGCTCTACCCCGATGCCTTTGCCCCGGTGGCACAGTTT-3'
Protein context (NP_001963.1, residues 208-228): CNGLIHGIAS[Phe218Leu]VRGGCASGLY

ClinVar aggregate classification (germline): Uncertain significance (1 of 4 stars; one submission).

Conditions:
Cyclical neutropenia. Also called: Cyclic Neutropenia; Cyclic hematopoiesis. Identifiers: Orphanet 2686, MedGen C0221023, MONDO:0008090, OMIM 162800, HP:0040289. Disease mechanism: loss of function.
Neutropenia, severe congenital, 1, autosomal dominant. Identifiers: MedGen C1859966, MONDO:0042490, OMIM 202700.

Submission:

Labcorp Genetics (formerly Invitae), Labcorp
Classification: Uncertain significance for Neutropenia, severe congenital, 1, autosomal dominant; Cyclical neutropenia. Last evaluated: 2025-12-10. Review status: criteria provided, single submitter. Criteria: Invitae Variant Classification Sherloc (09022015). Collection method: clinical testing. Allele origin: germline.
Comment: This sequence change replaces phenylalanine, which is neutral and non-polar, with leucine, which is neutral and non-polar, at codon 218 of the ELANE protein (p.Phe218Leu). This variant is not present in population databases (gnomAD no frequency). This variant has not been reported in the literature in individuals affected with ELANE-related conditions. Invitae Evidence Modeling of protein sequence and biophysical properties (such as structural, functional, and spatial information, amino acid conservation, physicochemical variation, residue mobility, and thermodynamic stability) has been performed for this missense variant. However, the output from this modeling did not meet the statistical confidence thresholds required to predict the impact of this variant on ELANE protein function. In summary, the available evidence is currently insufficient to determine the role of this variant in disease. Therefore, it has been classified as a Variant of Uncertain Significance.